The following is an entry in ClinVar:

ClinVar aggregate classification (germline): Uncertain significance (1 of 4 stars; one submission).

Submission:

Labcorp Genetics (formerly Invitae), Labcorp
Classification: Uncertain significance. Last evaluated: 2025-07-27. Review status: criteria provided, single submitter. Criteria: Invitae Variant Classification Sherloc (09022015). Collection method: clinical testing. Allele origin: germline.
Comment: This sequence change creates a premature translational stop signal (p.Gly73Trpfs*10) in the XRCC2 gene. While this is not anticipated to result in nonsense mediated decay, it is expected to disrupt the last 208 amino acid(s) of the XRCC2 protein. This variant is not present in population databases (gnomAD no frequency). This variant has not been reported in the literature in individuals affected with XRCC2-related conditions. Experimental studies and prediction algorithms are not available or were not evaluated, and the functional significance of this variant is currently unknown. In summary, the available evidence is currently insufficient to determine the role of this variant in disease. Therefore, it has been classified as a Variant of Uncertain Significance.

NM_005431.2(XRCC2):c.215dup (p.Gly73fs)

Gene: XRCC2 (X-ray repair cross complementing 2; minus strand). Cytogenetic location: 7q36.1.
Variant type: Duplication.
Coding change: c.215dup on transcript NM_005431.2 (MANE Select); coding-DNA position 215, one base duplicated (G; older notation c.215dupG).
Protein change: p.Gly73fs; shifts the reading frame from glycine 73.
Molecular consequence: frameshift variant.
Genome position (GRCh38, 1-based): chr7:152,649,270, C duplicated on the plus strand (G on the coding strand, the reverse complement: XRCC2 is on the minus strand); the first of 2 consecutive C bases (chr7:152,649,270-152,649,271); duplicating either gives the same sequence. VCF-style (leftmost placement, unchanged base first): chr7-152649269-A-AC. GRCh37 (hg19) VCF-style: chr7-152346354-A-AC.
Other names: short protein forms G73fs.
Identifiers: ClinVar variation 4723722 (VCV004723722.1).
Genomic context (GRCh38, chr7:152,649,269, plus strand): 5'-TAGCCGGAGCATATCAAAGTGGTAATCTGTATCAATAAATAAGACTTCTACTTCCAGGCC[A>AC]CCTTCTGATTTGGGAAGTATACATCGTGCTGTTAGGTGATAAAGCATTTCTGTTTTTCCT-3'